The following is an entry in ClinVar:

ClinVar aggregate classification (germline): Uncertain significance (3 of 4 stars; one submission).

Conditions:
Malignant hyperthermia, susceptibility to, 1 (MHS1). Also called: RYR1-Related Malignant Hyperthermia Susceptibility; Anesthesia related hyperthermia; Malignant hyperpyrexia; Fulminating hyperpyrexia; Pharmacogenic myopathy; Malignant hyperthermia suceptibility 1. Identifiers: Orphanet 423, MedGen C2930980, MONDO:0007783, OMIM 145600.

Submission:

ClinGen Malignant Hyperthermia Susceptibility Variant Curation Expert Panel, ClinGen
Classification: Uncertain significance for Malignant hyperthermia, susceptibility to, 1. Last evaluated: 2025-08-01. Review status: reviewed by expert panel. Criteria: ClinGen MHS ACMG Specifications V2. Collection method: curation. Allele origin: germline. Inheritance: Autosomal dominant inheritance.
Comment: This pathogenicity assessment is relevant only for malignant hyperthermia susceptibility (MHS) inherited in an autosomal dominant pattern. Variants in RYR1 can also cause other myopathies inherited in an autosomal dominant pattern or in an autosomal recessive pattern. Some of these disorders may predispose individuals to malignant hyperthermia. RYR1 variants may also contribute to a malignant hyperthermia reaction in combination with other genetic and non-genetic factors and the clinician needs to consider such factors in making management decisions. This sequence variant predicts a substitution of tyrosine with serine at codon 178 of the RYR1 protein, p.(Tyr178Ser). This variant was not present in a large population database (gnomAD) at the time this variant was interpreted. This variant has been reported in an individual with a personal or family history of an MH episode and a positive in vitro contracture test (IVCT) or caffeine halothane contracture test (CHCT) result (if the proband was unavailable for testing, a positive diagnostic test result in a mutation-positive relative was counted), PS4_Supporting (PMID: 30236257). No functional studies were identified for this variant. This variant resides in a region of RYR1 considered to be a hotspot for pathogenic variants that contribute to MHS, PM1 (PMID: 21118704). A REVEL score >0.85 (0.901) supports a pathogenic status for this variant, PP3_Moderate. This variant has been classified as a Variant of Unknown Significance. Criteria implemented: PS4_Supporting, PM1, PP3_Moderate.

NM_000540.3(RYR1):c.533A>C (p.Tyr178Ser)

Gene: RYR1 (ryanodine receptor 1; plus strand). Cytogenetic location: 19q13.2.
Variant type: single nucleotide variant.
Coding change: c.533A>C on transcript NM_000540.3 (MANE Select); coding-DNA position 533, A replaced by C.
Protein change: p.Tyr178Ser; replaces tyrosine 178 with serine.
Molecular consequence: missense variant.
Genome position (GRCh38, 1-based): chr19:38,444,257, A>C. VCF-style: chr19-38444257-A-C. GRCh37 (hg19) VCF-style: chr19-38934897-A-C.
Other names: c.533A>C, p.Tyr178Ser (NM_001042723.2); short protein forms Y178S.
Identifiers: ClinVar variation 1210301 (VCV001210301.3), dbSNP rs193922758, ClinGen allele CA405677113.